The following is an entry in ClinVar:

NM_031475.3(ESPN):c.1456AAG[1] (p.Lys487del)

Gene: ESPN (espin; plus strand). Cytogenetic location: 1p36.31.
Variant type: Microsatellite.
Coding change: c.1456AAG[1] on transcript NM_031475.3 (MANE Select); one copy of the 3-base unit AAG starting at c.1456; the reference has two copies in a row; one copy, 3 bases deleted.
Protein change: p.Lys487del; deletes lysine 487.
Molecular consequence: inframe deletion.
Genome position (GRCh38, 1-based): chr1:6,445,930-6,445,932, AAG deleted; deleting any 3 consecutive bases within chr1:6,445,927-6,445,932 gives the same sequence; the position shown is the placement nearest the transcript's 3' end. VCF-style (leftmost placement, unchanged base first): chr1-6445926-CAAG-C. GRCh37 (hg19) VCF-style: chr1-6505986-CAAG-C.
Other names: c.1456AAG[1], p.Lys487del (NM_001367473.1, NM_001367474.1); short protein forms K487del.
Identifiers: ClinVar variation 5000782 (VCV005000782.1).

ClinVar aggregate classification (germline): Uncertain significance (1 of 4 stars; one submission).

Conditions:
ESPN-related disorder. Also called: ESPN-related condition.

Submission:

PreventionGenetics, part of Exact Sciences
Classification: Uncertain significance for ESPN-related condition. Last evaluated: 2026-07-28. Review status: criteria provided, single submitter. Criteria: ACMG Guidelines, 2015. Collection method: clinical testing. Allele origin: germline.
Comment: The ESPN c.1459_1461delAAG variant is predicted to result in an in-frame deletion (p.Lys487del). To our knowledge, this variant has not been reported in the literature. This variant is reported in 0.0066% of alleles in individuals of African descent in gnomAD. At this time, the clinical significance of this variant is uncertain due to the absence of conclusive functional and genetic evidence.